The following is an entry in ClinVar:

ClinVar aggregate classification (germline): Uncertain significance (1 of 4 stars; one submission).

Conditions:
Charcot-Marie-Tooth disease type 4A. Also called: Charcot-Marie-Tooth disease, demyelinating, autosomal recessive, type 4a. Identifiers: Orphanet 99948, MedGen C1859198, MONDO:0008961, OMIM 214400.

gnomAD v4.1: 4 of 1,586,014 alleles (0.00025%); highest among the groups gnomAD compares: African/African-American, 0.0054%; no homozygotes.

Submission:

Labcorp Genetics (formerly Invitae), Labcorp
Classification: Uncertain significance for Charcot-Marie-Tooth disease type 4A. Last evaluated: 2026-01-04. Review status: criteria provided, single submitter. Criteria: Invitae Variant Classification Sherloc (09022015). Collection method: clinical testing. Allele origin: germline.
Comment: This sequence change replaces lysine, which is basic and polar, with arginine, which is basic and polar, at codon 206 of the GDAP1 protein (p.Lys206Arg). This variant is not present in population databases (gnomAD no frequency). This variant has not been reported in the literature in individuals affected with GDAP1-related conditions. Invitae Evidence Modeling of protein sequence and biophysical properties (such as structural, functional, and spatial information, amino acid conservation, physicochemical variation, residue mobility, and thermodynamic stability) indicates that this missense variant is not expected to disrupt GDAP1 protein function with a negative predictive value of 80%. In summary, the available evidence is currently insufficient to determine the role of this variant in disease. Therefore, it has been classified as a Variant of Uncertain Significance.

NM_018972.4(GDAP1):c.617A>G (p.Lys206Arg)

Gene: GDAP1 (ganglioside induced differentiation associated protein 1; plus strand). Cytogenetic location: 8q21.11.
Variant type: single nucleotide variant.
Coding change: c.617A>G on transcript NM_018972.4 (MANE Select); coding-DNA position 617, A replaced by G.
Protein change: p.Lys206Arg; replaces lysine 206 with arginine.
Molecular consequence: missense variant.
Genome position (GRCh38, 1-based): chr8:74,362,976, A>G. VCF-style: chr8-74362976-A-G. GRCh37 (hg19) VCF-style: chr8-75275211-A-G.
Other names: c.413A>G, p.Lys138Arg (NM_001040875.4); c.290A>G, p.Lys97Arg (NM_001362929.2, NM_001362932.2); c.443A>G, p.Lys148Arg (NM_001362930.2); c.617A>G, p.Lys206Arg (NM_001362931.2); short protein forms K206R, K97R, K148R, K138R.
Identifiers: ClinVar variation 4740751 (VCV004740751.1).